The following is an entry in ClinVar:

NM_020708.5(SLC12A5):c.*989G>A

Gene: SLC12A5 (solute carrier family 12 member 5; plus strand). Cytogenetic location: 20q13.12.
Variant type: single nucleotide variant.
Coding change: c.*989G>A on transcript NM_020708.5 (MANE Select); 989 bases downstream of the stop codon, G replaced by A.
Molecular consequence: 3 prime UTR variant.
Genome position (GRCh38, 1-based): chr20:46,058,594, G>A. VCF-style: chr20-46058594-G-A. GRCh37 (hg19) VCF-style: chr20-44687233-G-A.
Other names: c.*989G>A (NM_001134771.2).
Identifiers: ClinVar variation 2652365 (VCV002652365.24), dbSNP rs530298454, ClinGen allele CA315646480.
Genomic context (GRCh38, chr20:46,058,594, plus strand): 5'-GGGAGGGGTGCTCCTCAAGAGGAAGAAACCGAGAGGCCCGCGCCCCACCGAGGAAGCCCC[G>A]CCCCGGTGCCTTCGCTGGGGAGCAGGCGTCTCTCCTCAGTCGGCTTGTCGCCTGCTCCCC-3'

ClinVar aggregate classification (germline): Likely benign (1 of 4 stars; one submission).

Allele frequency attached by ClinVar (database versions not stated): TOPMed 0.00023; gnomAD 0.00027.

Submission:

CeGaT Center for Human Genetics Tuebingen
Classification: Likely benign. Last evaluated: 2026-09-01. Review status: criteria provided, single submitter. Criteria: CeGaT Center For Human Genetics Tuebingen Variant Classification Criteria Version 2. Collection method: clinical testing. Allele origin: germline. Affected: yes. Observed: 3 variant alleles.
Comment: SLC12A5: BP4, BP7